The following is an entry in ClinVar:

NM_022336.4(EDAR):c.*1107C>T

Genes: EDAR (ectodysplasin A receptor; minus strand), RANBP2 (RAN binding protein 2; plus strand). Cytogenetic location: 2q13.
Variant type: single nucleotide variant.
Coding change: c.*1107C>T on transcript NM_022336.4 (MANE Select); 1107 bases downstream of the stop codon, C replaced by T.
Molecular consequence: 3 prime UTR variant.
Genome position (GRCh38, 1-based): chr2:108,895,800, G>A on the plus strand (C>T on the coding strand, the complement: EDAR is on the minus strand). VCF-style: chr2-108895800-G-A. GRCh37 (hg19) VCF-style: chr2-109512256-G-A.
Identifiers: ClinVar variation 330695 (VCV000330695.6), dbSNP rs73952545, ClinGen allele CA10610943.

ClinVar aggregate classification (germline): Benign (1 of 4 stars; one submission).

Conditions:
Hypohidrotic ectodermal dysplasia (HED). Identifiers: Orphanet 238468, MedGen C5848103, MONDO:0016535, HP:0007607.

Allele frequency attached by ClinVar (database versions not stated): TOPMed 0.01181; 1000 Genomes Project 0.03734; 1000 Genomes Project 30x 0.03592; gnomAD 0.01003.

Submission:

Illumina Laboratory Services, Illumina
Classification: Benign for Hypohidrotic ectodermal dysplasia. Last evaluated: 2018-01-13. Review status: criteria provided, single submitter. Criteria: ICSL Variant Classification Criteria 13 December 2019. Collection method: clinical testing. Allele origin: germline.
Comment: This variant was observed in the ICSL laboratory as part of a predisposition screen in an ostensibly healthy population. It had not been previously curated by ICSL or reported in the Human Gene Mutation Database (HGMD: prior to June 1st, 2018), and was therefore a candidate for classification through an automated scoring system. Utilizing variant allele frequency, disease prevalence and penetrance estimates, and inheritance mode, an automated score was calculated to assess if this variant is too frequent to cause the disease. Based on the score and internal cut-off values, a variant classified as benign is not then subjected to further curation. The score for this variant resulted in a classification of benign for this disease.